The following is an entry in ClinVar:

ClinVar aggregate classification (germline): Pathogenic (1 of 4 stars; one submission).

Conditions:
Developmental and epileptic encephalopathy, 2 (DEE2). Also called: INFANTILE SPASM SYNDROME, X-LINKED 2; CDKL5 deficiency disorder. Identifiers: Orphanet 1934, Orphanet 3451, Orphanet 505652, MedGen C4750718, MONDO:0010396, OMIM 300672.
Angelman syndrome-like. Identifiers: MedGen CN128785.

Submission:

Labcorp Genetics (formerly Invitae), Labcorp
Classification: Pathogenic for Developmental and epileptic encephalopathy, 2; Angelman syndrome-like. Last evaluated: 2024-10-30. Review status: criteria provided, single submitter. Criteria: Invitae Variant Classification Sherloc (09022015). Collection method: clinical testing. Allele origin: germline.
Comment: This sequence change creates a premature translational stop signal (p.Tyr239Serfs*29) in the CDKL5 gene. It is expected to result in an absent or disrupted protein product. Loss-of-function variants in CDKL5 are known to be pathogenic (PMID: 22872100). This variant is not present in population databases (gnomAD no frequency). This variant has not been reported in the literature in individuals affected with CDKL5-related conditions. ClinVar contains an entry for this variant (Variation ID: 2038957). For these reasons, this variant has been classified as Pathogenic.

Literature cited by the submitters: PubMed 22872100.

NM_001323289.2(CDKL5):c.712_713dup (p.Tyr239fs)

Gene: CDKL5 (cyclin dependent kinase like 5; plus strand). Cytogenetic location: Xp22.13.
Variant type: Duplication.
Coding change: c.712_713dup on transcript NM_001323289.2 (MANE Select); coding-DNA positions 712 to 713, 2 bases duplicated (TT; older notation c.712_713dupTT).
Protein change: p.Tyr239fs; shifts the reading frame from tyrosine 239.
Molecular consequence: frameshift variant.
Genome position (GRCh38, 1-based): chrX:18,588,111-18,588,112, TT duplicated; duplicating any 2 consecutive bases within chrX:18,588,109-18,588,112 gives the same sequence; the c. name uses the placement nearest the transcript's 3' end. VCF-style (leftmost placement, unchanged base first): chrX-18588108-C-CTT. GRCh37 (hg19) VCF-style: chrX-18606228-C-CTT.
Other names: c.712_713dup, p.Tyr239fs (NM_001037343.2, NM_003159.3); short protein forms Y239fs.
Identifiers: ClinVar variation 2038957 (VCV002038957.4), dbSNP rs1555950486, ClinGen allele CA2580100405.
Genomic context (GRCh38, chrX:18,588,108, plus strand): 5'-ATTGACCAACTTTTTACTATTCAGAAGGTGCTAGGACCACTTCCATCTGAGCAGATGAAG[C>CTT]TTTTCTACAGTAATCCTCGCTTCCATGGGCTCCGGGTAAGAGGTTTTGCTGAAACCCAAA-3'